The following is an entry in ClinVar:

ClinVar aggregate classification (germline): Likely benign (1 of 4 stars; one submission).

Conditions:
CPSF1-related disorder. Also called: CPSF1-related condition.

gnomAD v4.1: 68 of 1,612,142 alleles (0.0042%); highest among the groups gnomAD compares: Admixed American, 0.01%; no homozygotes.

Submission:

PreventionGenetics, part of Exact Sciences
Classification: Likely benign for CPSF1-related condition. Last evaluated: 2025-07-25. Review status: criteria provided, single submitter. Criteria: ACMG Guidelines, 2015. Collection method: clinical testing. Allele origin: germline.
Comment: This variant is classified as likely benign based on ACMG/AMP sequence variant interpretation guidelines (Richards et al. 2015 PMID: 25741868, with internal and published modifications).

NM_013291.3(CPSF1):c.996C>T (p.Tyr332=)

Gene: CPSF1 (cleavage and polyadenylation specific factor 1; minus strand). Cytogenetic location: 8q24.3.
Variant type: single nucleotide variant.
Coding change: c.996C>T on transcript NM_013291.3 (MANE Select); coding-DNA position 996, C replaced by T.
Protein change: p.Tyr332=; no amino-acid change (tyrosine 332 retained).
Molecular consequence: synonymous variant.
Genome position (GRCh38, 1-based): chr8:144,400,027, G>A on the plus strand (C>T on the coding strand, the complement: CPSF1 is on the minus strand). VCF-style: chr8-144400027-G-A. GRCh37 (hg19) VCF-style: chr8-145625417-G-A.
Identifiers: ClinVar variation 4989307 (VCV004989307.1).